The following is an entry in ClinVar:

ClinVar aggregate classification (germline): Uncertain significance (1 of 4 stars; one submission).

Conditions:
Deafness-lymphedema-leukemia syndrome. Also called: Lymphedema, primary, with myelodysplasia; Emberger syndrome. Identifiers: Orphanet 3226, MedGen C3279664, MONDO:0013540, OMIM 614038.
Monocytopenia with susceptibility to infections. Also called: COMBINED IMMUNODEFICIENCY WITH SUSCEPTIBILITY TO MYCOBACTERIAL, VIRAL, AND FUNGAL INFECTIONS; MONOCYTOPENIA AND MYCOBACTERIAL INFECTION SYNDROME; MONOCYTOPENIA WITH SUSCEPTIBILITY TO MYCOBACTERIAL, FUNGAL, AND PAPILLOMAVIRUS INFECTIONS AND MYELODYSPLASIA; Dendritic cell, monocyte, B lymphocyte, and natural killer lymphocyte deficiency; IMMUNODEFICIENCY 21; GATA2 DEFICIENCY. Identifiers: Orphanet 228423, MedGen C3280030, MONDO:0013607, OMIM 614172.

Submission:

Labcorp Genetics (formerly Invitae), Labcorp
Classification: Uncertain significance for Monocytopenia with susceptibility to infections; Deafness-lymphedema-leukemia syndrome. Last evaluated: 2022-05-09. Review status: criteria provided, single submitter. Criteria: Invitae Variant Classification Sherloc (09022015). Collection method: clinical testing. Allele origin: germline.
Comment: In summary, the available evidence is currently insufficient to determine the role of this variant in disease. Therefore, it has been classified as a Variant of Uncertain Significance. Algorithms developed to predict the effect of missense changes on protein structure and function are either unavailable or do not agree on the potential impact of this missense change (SIFT: "Deleterious"; PolyPhen-2: "Benign"; Align-GVGD: "Class C15"). This variant has not been reported in the literature in individuals affected with GATA2-related conditions. This variant is not present in population databases (gnomAD no frequency). This sequence change replaces glycine, which is neutral and non-polar, with arginine, which is basic and polar, at codon 435 of the GATA2 protein (p.Gly435Arg).

NM_032638.5(GATA2):c.1303G>C (p.Gly435Arg)

Gene: GATA2 (GATA binding protein 2; minus strand). Cytogenetic location: 3q21.3.
Variant type: single nucleotide variant.
Coding change: c.1303G>C on transcript NM_032638.5 (MANE Select); coding-DNA position 1303, G replaced by C.
Protein change: p.Gly435Arg; replaces glycine 435 with arginine.
Molecular consequence: missense variant.
Genome position (GRCh38, 1-based): chr3:128,481,159, C>G on the plus strand (G>C on the coding strand, the complement: GATA2 is on the minus strand). VCF-style: chr3-128481159-C-G. GRCh37 (hg19) VCF-style: chr3-128200002-C-G.
Other names: c.1303G>C, p.Gly435Arg (NM_001145661.2); c.1261G>C, p.Gly421Arg (NM_001145662.1); short protein forms G421R, G435R.
Identifiers: ClinVar variation 2083543 (VCV002083543.4), dbSNP rs2472918801, ClinGen allele CA354412813.